The following is an entry in ClinVar:

NM_000016.6(ACADM):c.541_552delinsATATC (p.Asp181fs)

Gene: ACADM (acyl-CoA dehydrogenase medium chain; plus strand). Cytogenetic location: 1p31.1.
Variant type: Indel.
Coding change: c.541_552delinsATATC on transcript NM_000016.6 (MANE Select); coding-DNA positions 541 to 552, GATGAGTATATT replaced by ATATC.
Protein change: p.Asp181fs; shifts the reading frame from aspartic acid 181.
Molecular consequence: frameshift variant. On other transcripts: 5 prime UTR variant (1).
Genome position (GRCh38, 1-based): chr1:75,740,052-75,740,063, GATGAGTATATT replaced by ATATC. VCF-style: chr1-75740052-GATGAGTATATT-ATATC. GRCh37 (hg19) VCF-style: chr1-76205737-GATGAGTATATT-ATATC.
Other names: c.541_552delGATGAGTATATTinsATATC, p.Asp181Ilefs (NM_000016.5); c.553_564delinsATATC, p.Asp185fs (NM_001127328.3); c.433_444delinsATATC, p.Asp145fs (NM_001286042.2); c.640_651delinsATATC, p.Asp214fs (NM_001286043.2); c.-27_-16delinsATATC (NM_001286044.2); short protein forms D145fs, D181fs, D185fs, D214fs.
Identifiers: ClinVar variation 3385404 (VCV003385404.1).

ClinVar aggregate classification (germline): Pathogenic (1 of 4 stars; one submission).

Conditions:
Medium-chain acyl-coenzyme A dehydrogenase deficiency (ACADMD). Also called: ACADM DEFICIENCY; MCADD; Medium chain acyl-CoA dehydrogenase deficiency; CARNITINE DEFICIENCY SECONDARY TO MEDIUM-CHAIN ACYL-CoA DEHYDROGENASE DEFICIENCY; MCADH DEFICIENCY; MCAD Deficiency. Identifiers: Orphanet 42, MedGen C0220710, MONDO:0008721, OMIM 201450.

Submission:

Department of Genetics of Metabolic Diseases, Institute of Medical & Molecular Genetics, Hospital Universitario Hospital La Paz
Classification: Pathogenic for Medium-chain acyl-coenzyme A dehydrogenase deficiency. Last evaluated: 2024-09-01. Review status: criteria provided, single submitter. Criteria: ACMG Guidelines, 2015. Collection method: clinical testing. Allele origin: germline. Inheritance: Autosomal recessive inheritance. Affected: yes.
Comment: The variant NM_000016.5:c.541_552delinsATATC p.(Asp181Ilefs*10) in ACADM is predicted to result in a premature stop codon leading to a truncated protein or to its degradation by a nonsense-mediated decay mechanism. This variant is absent from controls in population databases (gnomAD) and it has been reported in a newborn with C8 levels at NBS consistent with MCADD in compound heterozygosity with a second pathogenic variant (PMID: Hidalgo Mayoral I et al., in press).

Literature cited by the submitters: PubMed 41022664.